The following is an entry in ClinVar:

NM_001371928.1(AHDC1):c.4741C>T (p.Pro1581Ser)

Gene: AHDC1 (AT-hook DNA binding motif containing 1; minus strand). Cytogenetic location: 1p36.11.
Variant type: single nucleotide variant.
Coding change: c.4741C>T on transcript NM_001371928.1 (MANE Select); coding-DNA position 4741, C replaced by T.
Protein change: p.Pro1581Ser; replaces proline 1581 with serine.
Molecular consequence: missense variant.
Genome position (GRCh38, 1-based): chr1:27,547,375, G>A on the plus strand (C>T on the coding strand, the complement: AHDC1 is on the minus strand). VCF-style: chr1-27547375-G-A. GRCh37 (hg19) VCF-style: chr1-27873886-G-A.
Other names: c.4741C>T, p.Pro1581Ser (NM_001029882.3); short protein forms P1581S.
Identifiers: ClinVar variation 4755979 (VCV004755979.1).

ClinVar aggregate classification (germline): Uncertain significance (1 of 4 stars; one submission).

gnomAD v4.1: 1 of 1,554,994 alleles (0.000064%); highest among the groups gnomAD compares: Non-Finnish European, 0.000087%; no homozygotes.

Submission:

GeneDx
Classification: Uncertain significance. Last evaluated: 2025-08-07. Review status: criteria provided, single submitter. Criteria: GeneDx Variant Classification Process June 2021. Collection method: clinical testing. Allele origin: germline. Affected: yes.
Comment: Not observed at significant frequency in large population cohorts (gnomAD); In silico analysis suggests that this missense variant does not alter protein structure/function; Has not been previously published as pathogenic or benign to our knowledge